The following is an entry in ClinVar:

NM_001105206.3(LAMA4):c.3282+7A>C

Gene: LAMA4 (laminin subunit alpha 4; minus strand). Cytogenetic location: 6q21.
Variant type: single nucleotide variant.
Coding change: c.3282+7A>C on transcript NM_001105206.3 (MANE Select); 7 bases into the intron after coding-DNA position 3282, A replaced by C.
Molecular consequence: intron variant.
Genome position (GRCh38, 1-based): chr6:112,139,113, T>G on the plus strand (A>C on the coding strand, the complement: LAMA4 is on the minus strand). VCF-style: chr6-112139113-T-G. GRCh37 (hg19) VCF-style: chr6-112460315-T-G.
Other names: c.3261+7A>C (NM_002290.5, NM_001105207.3, LRG_433t2).
Identifiers: ClinVar variation 390775 (VCV000390775.8), dbSNP rs782506211, ClinGen allele CA16605006.

ClinVar aggregate classification (germline): Likely benign. Review status: criteria provided, multiple submitters, no conflicts (2 of 4 stars). 2 submissions from 2 submitters: Likely benign (2). Last evaluated 2025-11-21.

Conditions:
Dilated cardiomyopathy 1JJ (CMD1JJ). Identifiers: Orphanet 154, MedGen C3808935, MONDO:0014095, OMIM 615235.

Allele frequency attached by ClinVar (database versions not stated): gnomAD exomes 0.00001.
gnomAD v4.1: 21 of 1,613,400 alleles (0.0013%); highest among the groups gnomAD compares: Non-Finnish European, 0.0015%; no homozygotes.

Submissions (2):

Labcorp Genetics (formerly Invitae), Labcorp
Classification: Likely benign for Dilated cardiomyopathy 1JJ. Last evaluated: 2025-11-21. Review status: criteria provided, single submitter. Criteria: Invitae Variant Classification Sherloc (09022015). Collection method: clinical testing. Allele origin: germline.

GeneDx
Classification: Likely benign. Last evaluated: 2016-11-15. Review status: criteria provided, single submitter. Criteria: GeneDx Variant Classification (06012015). Collection method: clinical testing. Allele origin: germline. Affected: yes.
Comment: This variant is considered likely benign or benign based on one or more of the following criteria: it is a conservative change, it occurs at a poorly conserved position in the protein, it is predicted to be benign by multiple in silico algorithms, and/or has population frequency not consistent with disease.